The following is an entry in ClinVar:

ClinVar aggregate classification (germline): Uncertain significance (1 of 4 stars; one submission).

Conditions:
Baller-Gerold syndrome (BGS). Also called: CRANIOSYNOSTOSIS WITH RADIAL DEFECTS. Identifiers: Orphanet 1225, MedGen C0265308, MONDO:0009039, OMIM 218600.

Submission:

Labcorp Genetics (formerly Invitae), Labcorp
Classification: Uncertain significance for Baller-Gerold syndrome. Last evaluated: 2023-06-29. Review status: criteria provided, single submitter. Criteria: Invitae Variant Classification Sherloc (09022015). Collection method: clinical testing. Allele origin: germline.
Comment: In summary, the available evidence is currently insufficient to determine the role of this variant in disease. Therefore, it has been classified as a Variant of Uncertain Significance. Algorithms developed to predict the effect of missense changes on protein structure and function output the following: SIFT: "Not Available"; PolyPhen-2: "Not Available"; Align-GVGD: "Not Available". The alanine amino acid residue is found in multiple mammalian species, which suggests that this missense change does not adversely affect protein function. This variant has not been reported in the literature in individuals affected with RECQL4-related conditions. This variant is not present in population databases (gnomAD no frequency). This sequence change replaces glycine, which is neutral and non-polar, with alanine, which is neutral and non-polar, at codon 1118 of the RECQL4 protein (p.Gly1118Ala).

NM_004260.4(RECQL4):c.3353G>C (p.Gly1118Ala)

Gene: RECQL4 (RecQ like helicase 4; minus strand). Cytogenetic location: 8q24.3.
Variant type: single nucleotide variant.
Coding change: c.3353G>C on transcript NM_004260.4 (MANE Select); coding-DNA position 3353, G replaced by C.
Protein change: p.Gly1118Ala; replaces glycine 1118 with alanine.
Molecular consequence: missense variant. On other transcripts: non-coding transcript variant (3).
Genome position (GRCh38, 1-based): chr8:144,511,951, C>G on the plus strand (G>C on the coding strand, the complement: RECQL4 is on the minus strand). VCF-style: chr8-144511951-C-G. GRCh37 (hg19) VCF-style: chr8-145737334-C-G.
Other names: c.3059G>C, p.Gly1020Ala (NM_001413017.1); c.3155G>C, p.Gly1052Ala (NM_001413018.1); c.3428G>C, p.Gly1143Ala (NM_001413019.1); c.3257G>C, p.Gly1086Ala (NM_001413020.1); c.2282G>C, p.Gly761Ala (NM_001413021.1, NM_001413022.1, NM_001413024.1 and 4 more transcripts); c.2357G>C, p.Gly786Ala (NM_001413023.1); c.3224G>C, p.Gly1075Ala (NM_001413025.1); c.2216G>C, p.Gly739Ala (NM_001413027.1, NM_001413030.1, NM_001413032.1); and 9 more; short protein forms G1001A, G1118A, G629A, G695A, G786A, G1086A, G1108A, G717A.
Identifiers: ClinVar variation 2732763 (VCV002732763.3), dbSNP rs1276726206, ClinGen allele CA372668342.